The following is an entry in ClinVar:

ClinVar aggregate classification (germline): Uncertain significance (1 of 4 stars; one submission).

Conditions:
Developmental and epileptic encephalopathy, 21 (DEE21). Also called: Early infantile epileptic encephalopathy 21. Identifiers: Orphanet 442835, MedGen C4014430, MONDO:0014360, OMIM 615833.

Submission:

Labcorp Genetics (formerly Invitae), Labcorp
Classification: Uncertain significance for Developmental and epileptic encephalopathy, 21. Last evaluated: 2021-08-19. Review status: criteria provided, single submitter. Criteria: Invitae Variant Classification Sherloc (09022015). Collection method: clinical testing. Allele origin: germline.
Comment: This sequence change replaces glutamic acid with glycine at codon 4 of the NECAP1 protein (p.Glu4Gly). The glutamic acid residue is moderately conserved and there is a moderate physicochemical difference between glutamic acid and glycine. This variant is not present in population databases (ExAC no frequency). This variant has not been reported in the literature in individuals affected with NECAP1-related conditions. Algorithms developed to predict the effect of missense changes on protein structure and function are either unavailable or do not agree on the potential impact of this missense change (SIFT: "Not Available"; PolyPhen-2: "Benign"; Align-GVGD: "Not Available"). In summary, the available evidence is currently insufficient to determine the role of this variant in disease. Therefore, it has been classified as a Variant of Uncertain Significance.

NM_015509.4(NECAP1):c.11A>G (p.Glu4Gly)

Genes: NECAP1 (NECAP endocytosis associated 1; plus strand), LOC126861440 (MED14-independent group 3 enhancer GRCh37_chr12:8234132-8235331; plus strand). Cytogenetic location: 12p13.31.
Variant type: single nucleotide variant.
Coding change: c.11A>G on transcript NM_015509.4 (MANE Select); coding-DNA position 11, A replaced by G.
Protein change: p.Glu4Gly; replaces glutamic acid 4 with glycine.
Molecular consequence: missense variant. On other transcripts: non-coding transcript variant (1).
Genome position (GRCh38, 1-based): chr12:8,082,299, A>G. VCF-style: chr12-8082299-A-G. GRCh37 (hg19) VCF-style: chr12-8234895-A-G.
Other names: short protein forms E4G.
Identifiers: ClinVar variation 1389574 (VCV001389574.6), dbSNP rs1191200725, ClinGen allele CA383795295.